The following is an entry in ClinVar:

NM_007327.4(GRIN1):c.1851C>A (p.Ser617=)

Gene: GRIN1 (glutamate ionotropic receptor NMDA type subunit 1; plus strand). Cytogenetic location: 9q34.3.
Variant type: single nucleotide variant.
Coding change: c.1851C>A on transcript NM_007327.4 (MANE Select); coding-DNA position 1851, C replaced by A.
Protein change: p.Ser617=; no amino-acid change (serine 617 retained).
Molecular consequence: synonymous variant.
Genome position (GRCh38, 1-based): chr9:137,162,503, C>A. VCF-style: chr9-137162503-C-A. GRCh37 (hg19) VCF-style: chr9-140056955-C-A.
Other names: c.1851C>A, p.Ser617= (NM_000832.7, NM_021569.4); c.1914C>A, p.Ser638= (NM_001185090.2, NM_001185091.2).
Identifiers: ClinVar variation 930915 (VCV000930915.3), dbSNP rs555866770, ClinGen allele CA201687514.

ClinVar aggregate classification (germline): Uncertain significance (1 of 4 stars; one submission).

Conditions:
Neurodevelopmental disorder with or without hyperkinetic movements and seizures, autosomal recessive. Identifiers: MedGen C4693325, MONDO:0060629, OMIM 617820.

Allele frequency attached by ClinVar (database versions not stated): gnomAD 0.00001; 1000 Genomes Project 30x 0.00016; 1000 Genomes Project 0.00020.
gnomAD v4.1: 1 of 1,611,820 alleles (0.000062%); highest among the groups gnomAD compares: Admixed American, 0.0017%; no homozygotes.

Submission:

Centre for Mendelian Genomics, University Medical Centre Ljubljana
Classification: Uncertain significance for Neurodevelopmental disorder with or without hyperkinetic movements and seizures, autosomal recessive. Last evaluated: 2018-10-24. Review status: criteria provided, single submitter. Criteria: ACMG Guidelines, 2015. Collection method: clinical testing. Allele origin: unknown. Affected: yes.
Comment: This variant was classified as: Uncertain significance. The available evidence on this variant's pathogenicity is insufficient or conflicting. The following ACMG criteria were applied in classifying this variant: PM2,BP7.